The following is an entry in ClinVar:

ClinVar aggregate classification (germline): Likely pathogenic (1 of 4 stars; one submission).

Conditions:
Charcot-Marie-Tooth disease axonal type 2T. Identifiers: Orphanet 443950, MedGen C4015635, OMIM 617017, MONDO:0014866.

gnomAD v4.1: 2 of 1,609,320 alleles (0.00012%); highest among the groups gnomAD compares: South Asian, 0.0011%; no homozygotes.

Submission:

First Genomix Gene Laboratory, Genetic Diagnostics Department
Classification: Likely pathogenic for Charcot-Marie-Tooth disease axonal type 2T. Last evaluated: 2025-09-03. Review status: criteria provided, single submitter. Criteria: ACMG Guidelines, 2015. Collection method: clinical testing. Allele origin: germline. Inheritance: Autosomal recessive inheritance. Affected: no. Observed: 1 variant allele.

NM_007289.4(MME):c.2153+1G>A

Gene: MME (membrane metalloendopeptidase; plus strand). Cytogenetic location: 3q25.2.
Variant type: single nucleotide variant.
Coding change: c.2153+1G>A on transcript NM_007289.4 (MANE Select); the canonical splice donor site of the intron after coding-DNA position 2153, G replaced by A.
Molecular consequence: splice donor variant.
Genome position (GRCh38, 1-based): chr3:155,172,613, G>A. VCF-style: chr3-155172613-G-A. GRCh37 (hg19) VCF-style: chr3-154890402-G-A.
Other names: c.2153+1G>A (NM_001354642.2, NM_000902.5, NM_007287.4 and 2 more transcripts).
Identifiers: ClinVar variation 4850248 (VCV004850248.1).